The following is an entry in ClinVar:

NM_000429.3(MAT1A):c.277G>A (p.Asp93Asn)

Gene: MAT1A (methionine adenosyltransferase 1A; minus strand). Cytogenetic location: 10q22.3.
Variant type: single nucleotide variant.
Coding change: c.277G>A on transcript NM_000429.3 (MANE Select); coding-DNA position 277, G replaced by A.
Protein change: p.Asp93Asn; replaces aspartic acid 93 with asparagine.
Molecular consequence: missense variant.
Genome position (GRCh38, 1-based): chr10:80,283,931, C>T on the plus strand (G>A on the coding strand, the complement: MAT1A is on the minus strand). VCF-style: chr10-80283931-C-T. GRCh37 (hg19) VCF-style: chr10-82043687-C-T.
Other names: short protein forms D93N.
Identifiers: ClinVar variation 4764133 (VCV004764133.1).

ClinVar aggregate classification (germline): Uncertain significance (1 of 4 stars; one submission).

Conditions:
Hepatic methionine adenosyltransferase deficiency. Also called: Deficiency of methionine adenosyltransferase; Isolated Persistent Hypermethioninemia; Methionine adenosyltransferase deficiency; MAT I/III DEFICIENCY. Identifiers: Orphanet 168598, MedGen C0268621, MeSH C564683, MONDO:0009607, OMIM 250850.

Submission:

Labcorp Genetics (formerly Invitae), Labcorp
Classification: Uncertain significance for Hepatic methionine adenosyltransferase deficiency. Last evaluated: 2025-08-12. Review status: criteria provided, single submitter. Criteria: Invitae Variant Classification Sherloc (09022015). Collection method: clinical testing. Allele origin: germline.
Comment: This sequence change replaces aspartic acid, which is acidic and polar, with asparagine, which is neutral and polar, at codon 93 of the MAT1A protein (p.Asp93Asn). This variant is present in population databases (no rsID available, gnomAD 0.003%). This variant has not been reported in the literature in individuals affected with MAT1A-related conditions. Invitae Evidence Modeling of protein sequence and biophysical properties (such as structural, functional, and spatial information, amino acid conservation, physicochemical variation, residue mobility, and thermodynamic stability) indicates that this missense variant is not expected to disrupt MAT1A protein function with a negative predictive value of 80%. In summary, the available evidence is currently insufficient to determine the role of this variant in disease. Therefore, it has been classified as a Variant of Uncertain Significance.